The following is an entry in ClinVar:

ClinVar aggregate classification (germline): Uncertain significance (1 of 4 stars; one submission).

Conditions:
Hereditary cancer-predisposing syndrome. Also called: Hereditary Cancer Syndrome; Hereditary neoplastic syndrome; Neoplastic Syndromes, Hereditary; Tumor predisposition. Identifiers: Orphanet 140162, MedGen C0027672, MeSH D009386, MONDO:0015356.

Submission:

Ambry Genetics
Classification: Uncertain significance for Hereditary cancer-predisposing syndrome. Last evaluated: 2025-07-07. Review status: criteria provided, single submitter. Criteria: Ambry Variant Classification Scheme 2023. Collection method: clinical testing. Allele origin: germline.
Comment: The p.V3078L variant (also known as c.9232G>C), located in coding exon 23 of the BRCA2 gene, results from a G to C substitution at nucleotide position 9232. The valine at codon 3078 is replaced by leucine, an amino acid with highly similar properties. This amino acid position is conserved. In addition, the in silico prediction for this alteration is inconclusive. Based on the available evidence, the clinical significance of this variant remains unclear.

NM_000059.4(BRCA2):c.9232G>C (p.Val3078Leu)

Gene: BRCA2 (BRCA2 DNA repair associated; plus strand). Cytogenetic location: 13q13.1.
Variant type: single nucleotide variant.
Coding change: c.9232G>C on transcript NM_000059.4 (MANE Select); coding-DNA position 9232, G replaced by C.
Protein change: p.Val3078Leu; replaces valine 3078 with leucine.
Molecular consequence: missense variant. On other transcripts: non-coding transcript variant (1).
Genome position (GRCh38, 1-based): chr13:32,380,121, G>C. VCF-style: chr13-32380121-G-C. GRCh37 (hg19) VCF-style: chr13-32954258-G-C.
Other names: c.9136G>C, p.Val3046Leu (NM_001406719.1); c.9181G>C, p.Val3061Leu (NM_001406720.1); c.4300G>C, p.Val1434Leu (NM_001406721.1); c.2815G>C, p.Val939Leu (NM_001406722.1); c.9232G>C, p.Val3078Leu (NM_001432077.1); short protein forms V3078L, V3061L, V3046L, V939L, V1434L.
Identifiers: ClinVar variation 4215857 (VCV004215857.1).